The following is an entry in ClinVar:

NM_004525.3(LRP2):c.7130G>A (p.Ser2377Asn)

Gene: LRP2 (LDL receptor related protein 2; minus strand). Cytogenetic location: 2q31.1.
Variant type: single nucleotide variant.
Coding change: c.7130G>A on transcript NM_004525.3 (MANE Select); coding-DNA position 7130, G replaced by A.
Protein change: p.Ser2377Asn; replaces serine 2377 with asparagine.
Molecular consequence: missense variant.
Genome position (GRCh38, 1-based): chr2:169,206,590, C>T on the plus strand (G>A on the coding strand, the complement: LRP2 is on the minus strand). VCF-style: chr2-169206590-C-T. GRCh37 (hg19) VCF-style: chr2-170063100-C-T.
Other names: c.7130G>A (NM_004525.2); short protein forms S2377N.
Identifiers: ClinVar variation 1345084 (VCV001345084.9), dbSNP rs1688396543, ClinGen allele CA349171494.
Genomic context (GRCh38, chr2:169,206,590, plus strand): 5'-GAATTAGACAAGGCAAAGATGAGGAAATTTTCTGTTGAAATGGCACAATTCTTGCCATCA[C>T]TTTGCAGGGTCCCAAAGGCACAGTCACATTTTGGGGTGTGCAATCCAGGCAGAGCAAAGC-3'
Protein context (NP_004516.2, residues 2367-2387): KCDCAFGTLQ[Ser2377Asn]DGKNCAISTE

ClinVar aggregate classification (germline): Uncertain significance. Review status: criteria provided, multiple submitters, no conflicts (2 of 4 stars). 2 submissions from 2 submitters: Uncertain significance (2). Last evaluated 2023-07-28.

Conditions:
Inborn genetic diseases. Identifiers: MedGen C0950123, MeSH D030342.

gnomAD v4.1: 3 of 1,614,140 alleles (0.00019%); highest among the groups gnomAD compares: Non-Finnish European, 0.00025%; no homozygotes.

Submissions (2):

Labcorp Genetics (formerly Invitae), Labcorp
Classification: Uncertain significance. Last evaluated: 2023-07-28. Review status: criteria provided, single submitter. Criteria: Invitae Variant Classification Sherloc (09022015). Collection method: clinical testing. Allele origin: germline.
Comment: This variant has not been reported in the literature in individuals affected with LRP2-related conditions. In summary, the available evidence is currently insufficient to determine the role of this variant in disease. Therefore, it has been classified as a Variant of Uncertain Significance. Advanced modeling of protein sequence and biophysical properties (such as structural, functional, and spatial information, amino acid conservation, physicochemical variation, residue mobility, and thermodynamic stability) performed at Invitae indicates that this missense variant is not expected to disrupt LRP2 protein function. ClinVar contains an entry for this variant (Variation ID: 1345084). This variant is not present in population databases (gnomAD no frequency). This sequence change replaces serine, which is neutral and polar, with asparagine, which is neutral and polar, at codon 2377 of the LRP2 protein (p.Ser2377Asn).

Ambry Genetics
Classification: Uncertain significance for Inborn genetic diseases. Last evaluated: 2022-11-08. Review status: criteria provided, single submitter. Criteria: Ambry Variant Classification Scheme 2023. Collection method: clinical testing. Allele origin: germline.